The following is an entry in ClinVar:

ClinVar aggregate classification (germline): Uncertain significance. Review status: criteria provided, multiple submitters, no conflicts (2 of 4 stars). 5 submissions from 5 submitters: Uncertain significance (5). Last evaluated 2025-05-19.

Conditions:
Hereditary cancer-predisposing syndrome. Also called: Tumor predisposition; Neoplastic Syndromes, Hereditary; Hereditary neoplastic syndrome; Hereditary Cancer Syndrome. Identifiers: Orphanet 140162, MedGen C0027672, MeSH D009386, MONDO:0015356.
Nijmegen breakage syndrome-like disorder (NBSLD). Also called: MICROCEPHALY AND SPONTANEOUS CHROMOSOME INSTABILITY WITHOUT IMMUNODEFICIENCY; NBS-LIKE DISORDER; RAD50 DEFICIENCY. Identifiers: Orphanet 240760, MedGen C2751318, MONDO:0013118, OMIM 613078.

Allele frequency attached by ClinVar (database versions not stated): gnomAD exomes 0.00001 and 0.00002; ExAC 0.00002; TOPMed 0.00002.
gnomAD v4.1: 22 of 1,613,858 alleles (0.0014%); highest among the groups gnomAD compares: Non-Finnish European, 0.0018%; no homozygotes.

Submissions (5):

Women's Health and Genetics/Laboratory Corporation of America, LabCorp
Classification: Uncertain significance. Last evaluated: 2025-05-19. Review status: criteria provided, single submitter. Criteria: LabCorp Variant Classification Summary - May 2015. Collection method: clinical testing. Allele origin: germline.
Comment: Variant summary: RAD50 c.454A>T (p.Asn152Tyr) results in a non-conservative amino acid change in the encoded protein sequence. Algorithms developed to predict the effect of missense changes on protein structure and function are either unavailable or do not agree on the potential impact of this missense change. The variant allele was found at a frequency of 2.4e-05 in 251392 control chromosomes. The available data on variant occurrences in the general population are insufficient to allow any conclusion about variant significance. c.454A>T has been observed in individual(s) affected with Breast cancer (Couch_2015). These report(s) do not provide unequivocal conclusions about association of the variant with Nijmegen Breakage Syndrome-Like Disorder. To our knowledge, no experimental evidence demonstrating an impact on protein function has been reported. The following publication has been ascertained in the context of this evaluation (PMID: 25452441). ClinVar contains an entry for this variant (Variation ID: 184750). Based on the evidence outlined above, the variant was classified as uncertain significance.

St. Jude Molecular Pathology, St. Jude Children's Research Hospital
Classification: Uncertain significance for Nijmegen breakage syndrome-like disorder. Last evaluated: 2024-08-14. Review status: criteria provided, single submitter. Criteria: St. Jude Assertion Criteria 2020. Collection method: clinical testing. Allele origin: germline.
Comment: The RAD50 c.454A>T (p.Asn152Tyr) missense change has a maximum subpopulation frequency of 0.0044% in gnomAD v2.1.1. The in silico tool REVEL is inconclusive about a pathogenic or benign effect of this variant on protein function, but this prediction has not been confirmed by functional studies. This variant has been reported in 1 out of 1824 individuals diagnosed with triple-negative breast cancer and unselected for family history (PMID: 25452441). It has been also reported in 5 out of 3579 African males diagnosed with prostate cancer (PMID: 32832836). This variant has not been reported in individuals with RAD50-associated conditions. In summary, the evidence currently available is insufficient to determine the clinical significance of this variant. It has therefore been classified as of uncertain significance.

Blueprint Genetics
Classification: Uncertain significance. Last evaluated: 2024-07-23. Review status: criteria provided, single submitter. Criteria: ACMG Guidelines, 2015. Collection method: clinical testing. Allele origin: germline.

Labcorp Genetics (formerly Invitae), Labcorp
Classification: Uncertain significance for Hereditary cancer-predisposing syndrome. Last evaluated: 2023-11-27. Review status: criteria provided, single submitter. Criteria: Invitae Variant Classification Sherloc (09022015). Collection method: clinical testing. Allele origin: germline.
Comment: This sequence change replaces asparagine, which is neutral and polar, with tyrosine, which is neutral and polar, at codon 152 of the RAD50 protein (p.Asn152Tyr). This variant is present in population databases (rs772250365, gnomAD 0.004%). This missense change has been observed in individual(s) with breast cancer (PMID: 25452441). ClinVar contains an entry for this variant (Variation ID: 184750). Advanced modeling of protein sequence and biophysical properties (such as structural, functional, and spatial information, amino acid conservation, physicochemical variation, residue mobility, and thermodynamic stability) performed at Invitae indicates that this missense variant is expected to disrupt RAD50 protein function with a positive predictive value of 80%. In summary, the available evidence is currently insufficient to determine the role of this variant in disease. Therefore, it has been classified as a Variant of Uncertain Significance.

Ambry Genetics
Classification: Uncertain significance for Hereditary cancer-predisposing syndrome. Last evaluated: 2022-07-28. Review status: criteria provided, single submitter. Criteria: Ambry Variant Classification Scheme 2023. Collection method: clinical testing. Allele origin: germline.
Comment: The p.N152Y variant (also known as c.454A>T), located in coding exon 4 of the RAD50 gene, results from an A to T substitution at nucleotide position 454. The asparagine at codon 152 is replaced by tyrosine, an amino acid with dissimilar properties. This alteration was identified in 1/1824 patients diagnosed with triple negative breast cancer and unselected for family history; this cohort underwent panel testing for 17 cancer predisposition genes (Couch FJ et al. J. Clin. Oncol. 2015 Feb;33:304-11). This variant was also identified in a cohort of 3,579 African males diagnosed with prostate cancer who underwent multi-gene panel testing of 19 DNA repair and cancer predisposition genes (Matejcic M et al. JCO Precis Oncol, 2020 Jan;4:32-43). This amino acid position is highly conserved in available vertebrate species. In addition, the in silico prediction for this alteration is inconclusive. Since supporting evidence is limited at this time, the clinical significance of this alteration remains unclear.

Literature cited by the submitters: PubMed 25452441 (cited by 3 submitters); PubMed 32832836 (cited by Ambry Genetics).

NM_005732.4(RAD50):c.454A>T (p.Asn152Tyr)

Gene: RAD50 (RAD50 double strand break repair protein; plus strand). Cytogenetic location: 5q31.1.
Variant type: single nucleotide variant.
Coding change: c.454A>T on transcript NM_005732.4 (MANE Select); coding-DNA position 454, A replaced by T.
Protein change: p.Asn152Tyr; replaces asparagine 152 with tyrosine.
Molecular consequence: missense variant.
Genome position (GRCh38, 1-based): chr5:132,579,405, A>T. VCF-style: chr5-132579405-A-T. GRCh37 (hg19) VCF-style: chr5-131915097-A-T.
Other names: short protein forms N152Y.
Identifiers: ClinVar variation 184750 (VCV000184750.18), dbSNP rs772250365, ClinGen allele CA189938.